The following is an entry in ClinVar:

ClinVar aggregate classification (germline): Pathogenic. Review status: criteria provided, multiple submitters, no conflicts (2 of 4 stars). 2 submissions from 2 submitters: Pathogenic (2). Last evaluated 2025-10-30.

Conditions:
Cohen syndrome (COH1). Also called: PEPPER SYNDROME; Cutis verticis gyrata, retinitis pigmentosa, and sensorineural deafness. Identifiers: Orphanet 193, MedGen C0265223, MONDO:0008999, OMIM 216550.

Submissions (2):

Institute of Human Genetics, University of Leipzig Medical Center
Classification: Pathogenic for Cohen syndrome. Last evaluated: 2025-10-30. Review status: criteria provided, single submitter. Criteria: ACMG Guidelines, 2015. Collection method: clinical testing. Allele origin: maternal. Inheritance: Autosomal recessive inheritance. Affected: yes.
Comment: Criteria applied: PVS1,PM2

Labcorp Genetics (formerly Invitae), Labcorp
Classification: Pathogenic for Cohen syndrome. Last evaluated: 2025-03-05. Review status: criteria provided, single submitter. Criteria: Invitae Variant Classification Sherloc (09022015). Collection method: clinical testing. Allele origin: germline.
Comment: This sequence change creates a premature translational stop signal (p.Tyr730*) in the VPS13B gene. It is expected to result in an absent or disrupted protein product. Loss-of-function variants in VPS13B are known to be pathogenic (PMID: 15141358, 16648375, 20461111). This variant is not present in population databases (gnomAD no frequency). This premature translational stop signal has been observed in individual(s) with neurodevelopmental disorder (PMID: 36672771). ClinVar contains an entry for this variant (Variation ID: 2762488). For these reasons, this variant has been classified as Pathogenic.

Literature cited by the submitters: PubMed 15141358 (cited by Labcorp Genetics (formerly Invitae), Labcorp); PubMed 16648375 (cited by Labcorp Genetics (formerly Invitae), Labcorp); PubMed 20461111 (cited by Labcorp Genetics (formerly Invitae), Labcorp); PubMed 36672771 (cited by Labcorp Genetics (formerly Invitae), Labcorp).

NM_152564.5(VPS13B):c.2190T>A (p.Tyr730Ter)

Gene: VPS13B (vacuolar protein sorting 13 homolog B; plus strand). Cytogenetic location: 8q22.2.
Variant type: single nucleotide variant.
Coding change: c.2190T>A on transcript NM_152564.5 (MANE Select); coding-DNA position 2190, T replaced by A.
Protein change: p.Tyr730Ter; replaces tyrosine 730 with a stop codon.
Molecular consequence: nonsense.
Genome position (GRCh38, 1-based): chr8:99,156,725, T>A. VCF-style: chr8-99156725-T-A. GRCh37 (hg19) VCF-style: chr8-100168953-T-A.
Other names: c.2190T>A, p.Tyr730Ter (NM_015243.3, NM_017890.5); short protein forms Y730*.
Identifiers: ClinVar variation 2762488 (VCV002762488.4), dbSNP rs2488834482, ClinGen allele CA371865227.